The following is an entry in ClinVar:

NM_003705.5(SLC25A12):c.813A>G (p.Leu271=)

Gene: SLC25A12 (solute carrier family 25 member 12; minus strand). Cytogenetic location: 2q31.1.
Variant type: single nucleotide variant.
Coding change: c.813A>G on transcript NM_003705.5 (MANE Select); coding-DNA position 813, A replaced by G.
Protein change: p.Leu271=; no amino-acid change (leucine 271 retained).
Molecular consequence: synonymous variant. On other transcripts: non-coding transcript variant (1).
Genome position (GRCh38, 1-based): chr2:171,833,995, T>C on the plus strand (A>G on the coding strand, the complement: SLC25A12 is on the minus strand). VCF-style: chr2-171833995-T-C. GRCh37 (hg19) VCF-style: chr2-172690505-T-C.
Identifiers: ClinVar variation 697903 (VCV000697903.12), dbSNP rs140105798, ClinGen allele CA1966305.

ClinVar aggregate classification (germline): Likely benign. Review status: criteria provided, single submitter (1 of 4 stars). 2 submissions from 2 submitters: Likely benign (1). 1 of the submissions does not count toward it. Last evaluated 2024-11-27.

Conditions:
SLC25A12-related disorder. Also called: SLC25A12-related condition.

Allele frequency attached by ClinVar (database versions not stated): TOPMed 0.00004; gnomAD 0.00005 and 0.00010; ESP Exome Variant Server 0.00008; 1000 Genomes Project 30x 0.00016; 1000 Genomes Project 0.00020; gnomAD exomes 0.00022; ExAC 0.00031.
gnomAD v4.1: 188 of 1,606,348 alleles (0.012%); highest among the groups gnomAD compares: South Asian, 0.17%; 1 homozygote.

Submissions (2):

Labcorp Genetics (formerly Invitae), Labcorp
Classification: Likely benign. Last evaluated: 2024-11-27. Review status: criteria provided, single submitter. Criteria: Invitae Variant Classification Sherloc (09022015). Collection method: clinical testing. Allele origin: germline.

PreventionGenetics, part of Exact Sciences
Classification: Likely benign for SLC25A12-related condition. Last evaluated: 2020-01-27. Review status: no assertion criteria provided. Collection method: clinical testing. Allele origin: germline. Not counted in ClinVar's aggregate classification.
Comment: This variant is classified as likely benign based on ACMG/AMP sequence variant interpretation guidelines (Richards et al. 2015 PMID: 25741868, with internal and published modifications).